The following is an entry in ClinVar:

ClinVar aggregate classification (germline): Pathogenic. Review status: criteria provided, multiple submitters, no conflicts (2 of 4 stars). 17 submissions from 17 submitters: Pathogenic (16). 1 of the submissions does not count toward it. Last evaluated 2026-02-05.

Conditions:
ALDH5A1-related disorder. Also called: ALDH5A1-related condition.
Succinate-semialdehyde dehydrogenase deficiency (SSADHD). Also called: 4-HYDROXYBUTYRIC ACIDURIA; SSADH DEFICIENCY; GABA METABOLIC DEFECT; Succinic Semialdehyde Dehydrogenase Deficiency. Identifiers: Orphanet 22, MedGen C0268631, MONDO:0010083, OMIM 271980.

Allele frequency attached by ClinVar (database versions not stated): ExAC 0.00003; gnomAD exomes 0.00005; gnomAD 0.00007; TOPMed 0.00014.

Submissions 1 to 12 of 17:

OLLIN Analises Genomicas, OLLIN
Classification: Pathogenic for Succinate-semialdehyde dehydrogenase deficiency. Last evaluated: 2026-02-05. Review status: criteria provided, single submitter. Criteria: ACMG Guidelines 2015 PMID 25741868. Collection method: clinical testing. Allele origin: germline. Affected: yes. Observed: 1 variant allele.
Comment: The nonsense (stop-gain) variant in the splicing region (chr6:24504871G>A), located in exon 4 (of 10), is reported in ClinVar (VCV000001357.37), in gnomAD v4.1 non-UKB with an allele frequency of 0.0105%, and in the scientific literature in individuals with succinate semialdehyde dehydrogenase deficiency (PMID: 40741980, 38677032, 39011401, 34015244). This variant introduces a premature stop codon, resulting in a truncated protein or mRNA degradation via nonsense-mediated decay (NMD). According to currently available evidence, this variant has been classified as pathogenic (PVS1, PS4_M, PM2_P, PM3_VS).

Labcorp Genetics (formerly Invitae), Labcorp
Classification: Pathogenic for Succinate-semialdehyde dehydrogenase deficiency. Last evaluated: 2026-01-24. Review status: criteria provided, single submitter. Criteria: Invitae Variant Classification Sherloc (09022015). Collection method: clinical testing. Allele origin: germline.
Comment: This sequence change creates a premature translational stop signal (p.Trp204*) in the ALDH5A1 gene. It is expected to result in an absent or disrupted protein product. Loss-of-function variants in ALDH5A1 are known to be pathogenic (PMID: 14635103). This variant is present in population databases (rs118203982, gnomAD 0.009%). This premature translational stop signal has been observed in individuals with succinic semialdehyde dehydrogenase deficiency (PMID: 11243727, 14635103). ClinVar contains an entry for this variant (Variation ID: 1357). Algorithms developed to predict the effect of sequence changes on RNA splicing suggest that this variant may create or strengthen a splice site. For these reasons, this variant has been classified as Pathogenic.

Clinical Genomics Laboratory, Washington University in St. Louis
Classification: Pathogenic for Succinate-semialdehyde dehydrogenase deficiency. Last evaluated: 2025-09-07. Review status: criteria provided, single submitter. Criteria: ACMG Guidelines, 2015. Collection method: clinical testing. Allele origin: germline. Affected: yes.
Comment: The ALDH5A1 c.612G>A (p.Trp204*) variant has been reported in at least 10 individuals affected with succinic semialdehyde dehydrogenase deficiency. Of those individuals, eight were compound heterozygous for the variant and a pathogenic or likely pathogenic variant, and two individuals were homozygous for the variant (Acaboshi S et al., PMID: 14635103; Hogema BM et al., PMID: 11243727; Martin GM et al., PMID: 26964512). This variant has been reported in the ClinVar database as a germline pathogenic variant by fourteen submitters. This variant is only observed in 13/282878 alleles in the general population (gnomAD v.2.1.1), indicating it is not a common variant. This variant leads to a premature termination codon, which is predicted to lead to nonsense mediated decay. Based on available information and the ACMG/AMP guidelines for variant interpretation (Richards S et al., PMID: 25741868), this variant is classified as pathogenic.

Victorian Clinical Genetics Services, Murdoch Childrens Research Institute
Classification: Pathogenic for Succinate-semialdehyde dehydrogenase deficiency. Last evaluated: 2025-06-17. Review status: criteria provided, single submitter. Criteria: ACMG Guidelines, 2015. Collection method: clinical testing. Allele origin: germline. Affected: no.
Comment: This variant is classified as Pathogenic. Evidence in support of pathogenic classification: Variant is predicted to cause nonsense-mediated decay (NMD) and loss of protein (premature termination codon is located at least 54 nucleotides upstream of the final exon-exon junction); Variant is present in gnomAD <0.01 for a recessive condition (v4: 401 heterozygote(s), 0 homozygote(s)); This variant has strong previous evidence of pathogenicity in unrelated individuals. It has been previously reported in multiple individuals with succinic semialdehyde dehydrogenase deficiency (ClinVar, PMID: 11243727, 14635103, 26964512); Other NMD-predicted variant(s) comparable to the one identified in this case have very strong previous evidence for pathogenicity (DECIPHER). Additional information: This variant is heterozygous; This gene is associated with autosomal recessive disease; Loss of function is a known mechanism of disease in this gene and is associated with succinic semialdehyde dehydrogenase deficiency (MIM#271980); Variants in this gene are known to have variable expressivity (OMIM).

Blueprint Genetics
Classification: Pathogenic for ALDH5A1-related disorders. Last evaluated: 2024-08-30. Review status: criteria provided, single submitter. Criteria: ACMG Guidelines, 2015. Collection method: clinical testing. Allele origin: germline. Affected: yes. Observed: 5 variant alleles.

Women's Health and Genetics/Laboratory Corporation of America, LabCorp
Classification: Pathogenic for Succinate-semialdehyde dehydrogenase deficiency. Last evaluated: 2023-08-24. Review status: criteria provided, single submitter. Criteria: LabCorp Variant Classification Summary - May 2015. Collection method: clinical testing. Allele origin: germline.
Comment: Variant summary: ALDH5A1 c.612G>A (p.Trp204X) results in a premature termination codon, predicted to cause a truncation of the encoded protein or absence of the protein due to nonsense mediated decay, which are commonly known mechanisms for disease. Variants downstream of this position have been classified as pathogenic by our laboratory and in ClinVar. The variant allele was found at a frequency of 4.8e-05 in 251486 control chromosomes (gnomAD). c.612G>A has been reported in the literature in multiple bi-allelic individuals affected with Succinic Semialdehyde Dehydrogenase Deficiency (example: Akaboshi_2003). These data indicate that the variant is very likely to be associated with disease. The following publication has been ascertained in the context of this evaluation (PMID: 14635103). Eleven submitters have cited clinical-significance assessments for this variant to ClinVar after 2014. All submitters classified the variant as pathogenic. Based on the evidence outlined above, the variant was classified as pathogenic.

GeneDx
Classification: Pathogenic. Last evaluated: 2022-03-03. Review status: criteria provided, single submitter. Criteria: GeneDx Variant Classification Process June 2021. Collection method: clinical testing. Allele origin: germline. Affected: yes.
Comment: Nonsense variant predicted to result in protein truncation or nonsense mediated decay in a gene for which loss-of-function is a known mechanism of disease; Not observed at a significant frequency in large population cohorts (gnomAD); This variant is associated with the following publications: (PMID: 32238909, 32395407, 33393837, 32887777, 33679889, 25525159, 29431110, 11243727, 26964512, 14635103, 31589614)

Fulgent Genetics
Classification: Pathogenic for Succinate-semialdehyde dehydrogenase deficiency. Last evaluated: 2021-11-19. Review status: criteria provided, single submitter. Criteria: ACMG Guidelines, 2015. Collection method: clinical testing. Allele origin: unknown.

Elsea Laboratory, Baylor College of Medicine
Classification: Pathogenic for Succinate-semialdehyde dehydrogenase deficiency. Last evaluated: 2021-03-08. Review status: criteria provided, single submitter. Criteria: Martin et al. (J Child Neurol. 2021). Collection method: curation. Allele origin: germline. Affected: yes.

New York Genome Center
Classification: Pathogenic for Succinate-semialdehyde dehydrogenase deficiency. Last evaluated: 2020-05-29. Review status: criteria provided, single submitter. Criteria: NYGC Assertion Criteria 2020. Collection method: clinical testing. Allele origin: germline. Observed: 1 heterozygote. Study: CSER-NYCKidSeq.

Cavalleri Lab, Royal College of Surgeons in Ireland
Classification: Pathogenic for Succinate-semialdehyde dehydrogenase deficiency. Last evaluated: 2019-12-11. Review status: criteria provided, single submitter. Criteria: ACMG Guidelines, 2015. Collection method: research. Allele origin: paternal. Inheritance: Autosomal recessive inheritance. Affected: yes.
Comment: ACMG evidence PVS1, PM3, PP5

Illumina Laboratory Services, Illumina
Classification: Pathogenic for Succinate-semialdehyde dehydrogenase deficiency. Last evaluated: 2019-04-05. Review status: criteria provided, single submitter. Criteria: ICSL Variant Classification Criteria 09 May 2019. Collection method: clinical testing. Allele origin: germline.
Comment: The ALDH5A1 c.612G>A (p.Trp204Ter) variant is a stop-gained variant and is predicted to result in premature truncation of the protein. The p.Trp204Ter variant has been reported in three studies in which it is found in a total of ten individuals with succinic semialdehyde dehydrogenase (SSADH) deficiency, including in two who were homozygous for the variant, seven who carried the variant in a compound heterozygous state, and one who carried the variant in a heterozygous state where a second variant was not identified (Hogema et al. 2001; Akaboshi et al. 2003; Manrique Martin et al. 2018). The p.Trp204Ter variant was absent from 140 control chromosomes but is reported at a frequency of 0.000087 in the European (non-Finnish) population of the Genome Aggregation Database. During prenatal evaluation of one fetus carrying the variant in a compound heterozygous state, 4-hydroxybutyric acid levels in the amniotic fluid were increased and SSADH activity was decreased in amniocytes and chorionic villi (Hogema et al. 2001). Based on the evidence and the potential impact of stop-gained variants, the p.Trp204Ter variant is classified as pathogenic for succinic semialdehyde dehydrogenase deficiency. This variant was observed by ICSL as part of a predisposition screen in an ostensibly healthy population.

NM_001080.3(ALDH5A1):c.612G>A (p.Trp204Ter)

Gene: ALDH5A1 (aldehyde dehydrogenase 5 family member A1; plus strand). Cytogenetic location: 6p22.3.
Variant type: single nucleotide variant.
Coding change: c.612G>A on transcript NM_001080.3 (MANE Select); coding-DNA position 612, G replaced by A.
Protein change: p.Trp204Ter; replaces tryptophan 204 with a stop codon.
Molecular consequence: nonsense.
Genome position (GRCh38, 1-based): chr6:24,504,871, G>A. VCF-style: chr6-24504871-G-A. GRCh37 (hg19) VCF-style: chr6-24505099-G-A.
Other names: c.612G>A, p.Trp204Ter (NM_001368954.1, NM_170740.1); short protein forms W204*.
Identifiers: ClinVar variation 1357 (VCV000001357.39), dbSNP rs118203982, ClinGen allele CA251757.